The following is an entry in ClinVar:

NM_004281.4(BAG3):c.99G>C (p.Gln33His)

Gene: BAG3 (BAG cochaperone 3; plus strand). Cytogenetic location: 10q26.11.
Variant type: single nucleotide variant.
Coding change: c.99G>C on transcript NM_004281.4 (MANE Select); coding-DNA position 99, G replaced by C.
Protein change: p.Gln33His; replaces glutamine 33 with histidine.
Molecular consequence: missense variant.
Genome position (GRCh38, 1-based): chr10:119,651,774, G>C. VCF-style: chr10-119651774-G-C. GRCh37 (hg19) VCF-style: chr10-121411286-G-C.
Other names: short protein forms Q33H.
Identifiers: ClinVar variation 1481141 (VCV001481141.6), dbSNP rs2134050569, ClinGen allele CA378294174.
Genomic context (GRCh38, chr10:119,651,774, plus strand): 5'-GTCCGGCAACGGTGACCGCGACCCTTTGCCCCCCGGATGGGAGATCAAGATCGACCCGCA[G>C]ACCGGCTGGCCCTTCTTCGTGGACCACAACAGCCGCACCACTACGTGGAACGACCCGCGC-3'
Protein context (NP_004272.2, residues 23-43): PPGWEIKIDP[Gln33His]TGWPFFVDHN

ClinVar aggregate classification (germline): Uncertain significance (1 of 4 stars; one submission).

Conditions:
Dilated cardiomyopathy 1HH (CMD1HH). Identifiers: Orphanet 154, MedGen C3151293, MONDO:0013479, OMIM 613881.
Myofibrillar myopathy 6. Identifiers: Orphanet 199340, MedGen C2751831, MONDO:0013061, OMIM 612954.

Submission:

Labcorp Genetics (formerly Invitae), Labcorp
Classification: Uncertain significance for Dilated cardiomyopathy 1HH; Myofibrillar myopathy 6. Last evaluated: 2021-09-18. Review status: criteria provided, single submitter. Criteria: Invitae Variant Classification Sherloc (09022015). Collection method: clinical testing. Allele origin: germline.
Comment: Algorithms developed to predict the effect of missense changes on protein structure and function are either unavailable or do not agree on the potential impact of this missense change (SIFT: "Tolerated"; PolyPhen-2: "Probably Damaging"; Align-GVGD: "Class C0"). In summary, the available evidence is currently insufficient to determine the role of this variant in disease. Therefore, it has been classified as a Variant of Uncertain Significance. This variant has not been reported in the literature in individuals affected with BAG3-related conditions. This variant is not present in population databases (ExAC no frequency). This sequence change replaces glutamine with histidine at codon 33 of the BAG3 protein (p.Gln33His). The glutamine residue is highly conserved and there is a small physicochemical difference between glutamine and histidine.